The following is an entry in ClinVar:

NM_015466.4(PTPN23):c.3916G>A (p.Glu1306Lys)

Gene: PTPN23 (protein tyrosine phosphatase non-receptor type 23; plus strand). Cytogenetic location: 3p21.31.
Variant type: single nucleotide variant.
Coding change: c.3916G>A on transcript NM_015466.4 (MANE Select); coding-DNA position 3916, G replaced by A.
Protein change: p.Glu1306Lys; replaces glutamic acid 1306 with lysine.
Molecular consequence: missense variant.
Genome position (GRCh38, 1-based): chr3:47,411,810, G>A. VCF-style: chr3-47411810-G-A. GRCh37 (hg19) VCF-style: chr3-47453300-G-A.
Other names: c.3916G>A (NM_015466.2); c.3538G>A, p.Glu1180Lys (NM_001304482.2); short protein forms E1180K, E1306K.
Identifiers: ClinVar variation 1386310 (VCV001386310.8), dbSNP rs754032084, ClinGen allele CA2366402.

ClinVar aggregate classification (germline): Uncertain significance. Review status: criteria provided, multiple submitters, no conflicts (2 of 4 stars). 3 submissions from 3 submitters: Uncertain significance (3). Last evaluated 2026-03-10.

Conditions:
Inborn genetic diseases. Identifiers: MedGen C0950123, MeSH D030342.

Allele frequency attached by ClinVar (database versions not stated): gnomAD exomes below 0.00001 and 0.00001; ExAC 0.00001; gnomAD 0.00001; TOPMed 0.00001.
gnomAD v4.1: 8 of 1,609,344 alleles (0.0005%); highest among the groups gnomAD compares: African/African-American, 0.0013%; no homozygotes.

Submissions (3):

Ambry Genetics
Classification: Uncertain significance for Inborn genetic diseases. Last evaluated: 2026-03-10. Review status: criteria provided, single submitter. Criteria: Ambry Variant Classification Scheme 2023. Collection method: clinical testing. Allele origin: germline.

Women's Health and Genetics/Laboratory Corporation of America, LabCorp
Classification: Uncertain significance. Last evaluated: 2025-12-26. Review status: criteria provided, single submitter. Criteria: LabCorp Variant Classification Summary - May 2015. Collection method: clinical testing. Allele origin: germline.
Comment: Variant summary: PTPN23 c.3916G>A (p.Glu1306Lys) results in a conservative amino acid change in the encoded protein sequence. Algorithms developed to predict the effect of missense changes on protein structure and function are either unavailable or do not agree on the potential impact of this missense change. The variant allele was found at a frequency of 1.2e-05 in 246372 control chromosomes. The available data on variant occurrences in the general population are insufficient to allow any conclusion about variant significance. To our knowledge, no occurrence of c.3916G>A in individuals affected with PTPN23-related conditions and no experimental evidence demonstrating its impact on protein function have been reported. ClinVar contains an entry for this variant (Variation ID: 1386310). Based on the evidence outlined above, the variant was classified as uncertain significance.

Labcorp Genetics (formerly Invitae), Labcorp
Classification: Uncertain significance. Last evaluated: 2024-03-21. Review status: criteria provided, single submitter. Criteria: Invitae Variant Classification Sherloc (09022015). Collection method: clinical testing. Allele origin: germline.
Comment: This sequence change replaces glutamic acid, which is acidic and polar, with lysine, which is basic and polar, at codon 1306 of the PTPN23 protein (p.Glu1306Lys). This variant is present in population databases (rs754032084, gnomAD 0.007%). This variant has not been reported in the literature in individuals affected with PTPN23-related conditions. ClinVar contains an entry for this variant (Variation ID: 1386310). An algorithm developed to predict the effect of missense changes on protein structure and function (PolyPhen-2) suggests that this variant is likely to be disruptive. In summary, the available evidence is currently insufficient to determine the role of this variant in disease. Therefore, it has been classified as a Variant of Uncertain Significance.